The following is an entry in ClinVar:

NM_002474.3(MYH11):c.1282A>G (p.Thr428Ala)

Gene: MYH11 (myosin heavy chain 11; minus strand). Cytogenetic location: 16p13.11.
Variant type: single nucleotide variant.
Coding change: c.1282A>G on transcript NM_002474.3 (MANE Select); coding-DNA position 1282, A replaced by G.
Protein change: p.Thr428Ala; replaces threonine 428 with alanine.
Molecular consequence: missense variant.
Genome position (GRCh38, 1-based): chr16:15,759,695, T>C on the plus strand (A>G on the coding strand, the complement: MYH11 is on the minus strand). VCF-style: chr16-15759695-T-C. GRCh37 (hg19) VCF-style: chr16-15853552-T-C.
Other names: c.1303A>G, p.Thr435Ala (NM_001040113.2, NM_001040114.2); c.1282A>G, p.Thr428Ala (NM_022844.3); short protein forms T435A, T428A.
Identifiers: ClinVar variation 465706 (VCV000465706.10), dbSNP rs1555563221, ClinGen allele CA394872620.

ClinVar aggregate classification (germline): Uncertain significance. Review status: criteria provided, multiple submitters, no conflicts (2 of 4 stars). 2 submissions from 2 submitters: Uncertain significance (2). Last evaluated 2024-05-22.

Conditions:
Megacystis-microcolon-intestinal hypoperistalsis syndrome 2. Identifiers: MedGen C5543476, MONDO:0025708, OMIM 619351.
Aortic aneurysm, familial thoracic 4 (AAT4). Also called: AORTIC ANEURYSM/AORTIC DISSECTION AND PATENT DUCTUS ARTERIOSUS. Identifiers: MedGen C1851504, MONDO:0007568, OMIM 132900.
Visceral myopathy 2. Identifiers: MedGen C5543466, MONDO:0859157, OMIM 619350.

Allele frequency attached by ClinVar (database versions not stated): gnomAD exomes below 0.00001.
gnomAD v4.1: 2 of 1,614,236 alleles (0.00012%); highest among the groups gnomAD compares: Non-Finnish European, 0.00017%; no homozygotes.

Submissions (2):

Labcorp Genetics (formerly Invitae), Labcorp
Classification: Uncertain significance for Aortic aneurysm, familial thoracic 4. Last evaluated: 2024-05-22. Review status: criteria provided, single submitter. Criteria: Invitae Variant Classification Sherloc (09022015). Collection method: clinical testing. Allele origin: germline.
Comment: This sequence change replaces threonine, which is neutral and polar, with alanine, which is neutral and non-polar, at codon 435 of the MYH11 protein (p.Thr435Ala). This variant is not present in population databases (gnomAD no frequency). This variant has not been reported in the literature in individuals affected with MYH11-related conditions. ClinVar contains an entry for this variant (Variation ID: 465706). Advanced modeling of protein sequence and biophysical properties (such as structural, functional, and spatial information, amino acid conservation, physicochemical variation, residue mobility, and thermodynamic stability) performed at Invitae indicates that this missense variant is not expected to disrupt MYH11 protein function with a negative predictive value of 95%. In summary, the available evidence is currently insufficient to determine the role of this variant in disease. Therefore, it has been classified as a Variant of Uncertain Significance.

Fulgent Genetics
Classification: Uncertain significance for Aortic aneurysm, familial thoracic 4; Visceral myopathy 2; Megacystis-microcolon-intestinal hypoperistalsis syndrome 2. Last evaluated: 2022-01-29. Review status: criteria provided, single submitter. Criteria: ACMG Guidelines, 2015. Collection method: clinical testing. Allele origin: unknown.